The following is an entry in ClinVar:

NM_000038.6(APC):c.7853A>T (p.Asn2618Ile)

Gene: APC (APC regulator of Wnt signaling pathway; plus strand). Cytogenetic location: 5q22.2.
Variant type: single nucleotide variant.
Coding change: c.7853A>T on transcript NM_000038.6 (MANE Select); coding-DNA position 7853, A replaced by T.
Protein change: p.Asn2618Ile; replaces asparagine 2618 with isoleucine.
Molecular consequence: missense variant.
Genome position (GRCh38, 1-based): chr5:112,843,447, A>T. VCF-style: chr5-112843447-A-T. GRCh37 (hg19) VCF-style: chr5-112179144-A-T.
Other names: c.7580A>T, p.Asn2527Ile (NM_001354902.2); c.7550A>T, p.Asn2517Ile (NM_001354903.2); c.7475A>T, p.Asn2492Ile (NM_001354904.2); c.7373A>T, p.Asn2458Ile (NM_001354905.2); c.7004A>T, p.Asn2335Ile (NM_001354906.2); c.7853A>T, p.Asn2618Ile (NM_001127510.3, NM_001354895.2); c.7799A>T, p.Asn2600Ile (NM_001127511.3); c.7907A>T, p.Asn2636Ile (NM_001354896.2); and 6 more; short protein forms N2335I, N2458I, N2492I, N2517I, N2527I, N2559I, N2577I, N2590I.
Identifiers: ClinVar variation 1064027 (VCV001064027.13), dbSNP rs1580687270, ClinGen allele CA16038397.

ClinVar aggregate classification (germline): Uncertain significance. Review status: criteria provided, multiple submitters, no conflicts (2 of 4 stars). 3 submissions from 3 submitters: Uncertain significance (3). Last evaluated 2025-12-22.

Conditions:
Hereditary cancer-predisposing syndrome. Also called: Hereditary Cancer Syndrome; Neoplastic Syndromes, Hereditary; Tumor predisposition; Hereditary neoplastic syndrome. Identifiers: Orphanet 140162, MedGen C0027672, MeSH D009386, MONDO:0015356.
Familial adenomatous polyposis 1 (FAP1). Also called: FAMILIAL ADENOMATOUS POLYPOSIS 1, ATTENUATED; POLYPOSIS, ADENOMATOUS INTESTINAL. Identifiers: MedGen C2713442, MONDO:0021056, OMIM 175100. Disease mechanism: loss of function.
APC-related disorder. Also called: APC-related condition.

Submissions (3):

Ambry Genetics
Classification: Uncertain significance for Hereditary cancer-predisposing syndrome. Last evaluated: 2025-12-22. Review status: criteria provided, single submitter. Criteria: Ambry Variant Classification Scheme 2023. Collection method: clinical testing. Allele origin: germline.
Comment: The p.N2618I variant (also known as c.7853A>T), located in coding exon 15 of the APC gene, results from an A to T substitution at nucleotide position 7853. The asparagine at codon 2618 is replaced by isoleucine, an amino acid with dissimilar properties. This amino acid position is conserved. In addition, in silico predictors for this gene do not accurately predict pathogenicity. Missense variants in APC are not a common cause of disease (Spier I et al. Genet Med. 2024 Feb;26(2):100992). Based on the available evidence, the clinical significance of this variant remains unclear.

Labcorp Genetics (formerly Invitae), Labcorp
Classification: Uncertain significance for Familial adenomatous polyposis 1. Last evaluated: 2025-08-22. Review status: criteria provided, single submitter. Criteria: Invitae Variant Classification Sherloc (09022015). Collection method: clinical testing. Allele origin: germline.
Comment: This sequence change replaces asparagine, which is neutral and polar, with isoleucine, which is neutral and non-polar, at codon 2618 of the APC protein (p.Asn2618Ile). This variant is not present in population databases (gnomAD no frequency). This variant has not been reported in the literature in individuals affected with APC-related conditions. ClinVar contains an entry for this variant (Variation ID: 1064027). Invitae Evidence Modeling of protein sequence and biophysical properties (such as structural, functional, and spatial information, amino acid conservation, physicochemical variation, residue mobility, and thermodynamic stability) indicates that this missense variant is not expected to disrupt APC protein function with a negative predictive value of 95%. In summary, the available evidence is currently insufficient to determine the role of this variant in disease. Therefore, it has been classified as a Variant of Uncertain Significance.

PreventionGenetics, part of Exact Sciences
Classification: Uncertain significance for APC-related condition. Last evaluated: 2023-09-27. Review status: criteria provided, single submitter. Criteria: ACMG Guidelines, 2015. Collection method: clinical testing. Allele origin: germline.
Comment: The APC c.7853A>T variant is predicted to result in the amino acid substitution p.Asn2618Ile. To our knowledge, this variant has not been reported in the literature or in a large population database, indicating this variant is rare. It is interpreted as uncertain significance. At this time, the clinical significance of this variant is uncertain due to the absence of conclusive functional and genetic evidence.